The following is an entry in ClinVar:

NM_004086.3(COCH):c.971G>A (p.Arg324Gln)

Genes: COCH (cochlin; plus strand), COCH-AS1 (COCH antisense RNA 1; minus strand). Cytogenetic location: 14q12.
Variant type: single nucleotide variant.
Coding change: c.971G>A on transcript NM_004086.3 (MANE Select); coding-DNA position 971, G replaced by A.
Protein change: p.Arg324Gln; replaces arginine 324 with glutamine.
Molecular consequence: missense variant. On other transcripts: non-coding transcript variant (1).
Genome position (GRCh38, 1-based): chr14:30,885,806, G>A. VCF-style: chr14-30885806-G-A. GRCh37 (hg19) VCF-style: chr14-31355012-G-A.
Other names: c.971G>A, p.Arg324Gln (NM_001135058.2); c.1166G>A, p.Arg389Gln (NM_001347720.2); c.971G>A (NM_001135058.1); short protein forms R324Q, R389Q.
Identifiers: ClinVar variation 228525 (VCV000228525.14), dbSNP rs748731866, ClinGen allele CA7143237.

ClinVar aggregate classification (germline): Conflicting classifications of pathogenicity. Review status: criteria provided, conflicting classifications (1 of 4 stars). 4 submissions from 4 submitters: Uncertain significance (3); Likely benign (1). Last evaluated 2023-03-14.

Conditions:
COCH-related disorder. Also called: COCH-related condition.
Autosomal dominant nonsyndromic hearing loss 9. Identifiers: Orphanet 90635, MedGen C1832425, MONDO:0011058, OMIM 601369.

Allele frequency attached by ClinVar (database versions not stated): gnomAD 0.00003 and 0.00004; TOPMed 0.00003; ExAC 0.00004; gnomAD exomes 0.00004 and 0.00005.
gnomAD v4.1: 68 of 1,613,950 alleles (0.0042%); highest among the groups gnomAD compares: Middle Eastern, 0.017%; no homozygotes.

Submissions (4):

PreventionGenetics, part of Exact Sciences
Classification: Uncertain significance for COCH-related condition. Last evaluated: 2023-03-14. Review status: criteria provided, single submitter. Criteria: ACMG Guidelines, 2015. Collection method: clinical testing. Allele origin: germline.
Comment: The COCH c.971G>A variant is predicted to result in the amino acid substitution p.Arg324Gln. To our knowledge, this variant has not been reported in the literature. This variant is reported in 0.050% of alleles in individuals of Ashkenazi Jewish descent in gnomAD. At this time, the clinical significance of this variant is uncertain due to the absence of conclusive functional and genetic evidence.

Labcorp Genetics (formerly Invitae), Labcorp
Classification: Uncertain significance. Last evaluated: 2022-10-05. Review status: criteria provided, single submitter. Criteria: Invitae Variant Classification Sherloc (09022015). Collection method: clinical testing. Allele origin: germline.
Comment: This sequence change replaces arginine, which is basic and polar, with glutamine, which is neutral and polar, at codon 324 of the COCH protein (p.Arg324Gln). This variant is present in population databases (rs748731866, gnomAD 0.04%). In summary, the available evidence is currently insufficient to determine the role of this variant in disease. Therefore, it has been classified as a Variant of Uncertain Significance. Advanced modeling of protein sequence and biophysical properties (such as structural, functional, and spatial information, amino acid conservation, physicochemical variation, residue mobility, and thermodynamic stability) performed at Invitae indicates that this missense variant is not expected to disrupt COCH protein function. ClinVar contains an entry for this variant (Variation ID: 228525). This variant has not been reported in the literature in individuals affected with COCH-related conditions.

Laboratory for Molecular Medicine, Mass General Brigham Personalized Medicine
Classification: Likely benign. Last evaluated: 2019-09-13. Review status: criteria provided, single submitter. Criteria: LMM Criteria. Collection method: clinical testing. Allele origin: germline. Observed: 2 variant alleles.
Comment: The p.Arg324Gln variant in COCH is classified as likely benign because it has been identified in 0.04% (5/10024) of Ashkenazi Jewish and in 0.04% (5/112076) of European chromosomes by gnomAD. ACMG/AMP Criteria applied: BS1.

Illumina Laboratory Services, Illumina
Classification: Uncertain significance for Autosomal dominant nonsyndromic hearing loss 9. Last evaluated: 2018-01-12. Review status: criteria provided, single submitter. Criteria: ICSL Variant Classification Criteria 13 December 2019. Collection method: clinical testing. Allele origin: germline.